The following is an entry in ClinVar:

ClinVar aggregate classification (germline): Uncertain significance (1 of 4 stars; one submission).

Conditions:
Cardiovascular phenotype. Identifiers: MedGen CN230736.

Submission:

Ambry Genetics
Classification: Uncertain significance for Cardiovascular phenotype. Last evaluated: 2018-09-17. Review status: criteria provided, single submitter. Criteria: Ambry Variant Classification Scheme 2023. Collection method: clinical testing. Allele origin: germline.
Comment: The p.P125R variant (also known as c.374C>G), located in coding exon 3 of the ACVRL1 gene, results from a C to G substitution at nucleotide position 374. The proline at codon 125 is replaced by arginine, an amino acid with dissimilar properties. This amino acid position is well conserved in available vertebrate species. In addition, the in silico prediction for this alteration is inconclusive. Since supporting evidence is limited at this time, the clinical significance of this alteration remains unclear.

NM_000020.3(ACVRL1):c.374C>G (p.Pro125Arg)

Gene: ACVRL1 (activin A receptor like type 1; plus strand). Cytogenetic location: 12q13.13.
Variant type: single nucleotide variant.
Coding change: c.374C>G on transcript NM_000020.3 (MANE Select); coding-DNA position 374, C replaced by G.
Protein change: p.Pro125Arg; replaces proline 125 with arginine.
Molecular consequence: missense variant.
Genome position (GRCh38, 1-based): chr12:51,913,619, C>G. VCF-style: chr12-51913619-C-G. GRCh37 (hg19) VCF-style: chr12-52307403-C-G.
Other names: c.374C>G, p.Pro125Arg (NM_001077401.2, NM_001406487.1, NM_001406488.1 and 1 more transcripts); short protein forms P125R.
Identifiers: ClinVar variation 1734542 (VCV001734542.2), dbSNP rs267603511, ClinGen allele CA384898561.
Genomic context (GRCh38, chr12:51,913,619, plus strand): 5'-CCACCCAACCTCCTTCGGAGCAGCCGGGAACAGATGGCCAGCTGGCCCTGATCCTGGGCC[C>G]CGTGCTGGCCTTGCTGGCCCTGGTGGCCCTGGGTGTCCTGGGCCTGTGGCATGTCCGACG-3'
Protein context (NP_000011.2, residues 115-135): TDGQLALILG[Pro125Arg]VLALLALVAL